The following is an entry in ClinVar:

ClinVar aggregate classification (germline): Benign/Likely benign. Review status: criteria provided, multiple submitters, no conflicts (2 of 4 stars). 6 submissions from 6 submitters: Benign (1); Likely benign (5). Last evaluated 2026-05-09.

Conditions:
Juvenile polyposis syndrome (JPS). Identifiers: Orphanet 2929, MedGen C0345893, MONDO:0017380, OMIM 174900.
Hereditary cancer-predisposing syndrome. Also called: Neoplastic Syndromes, Hereditary; Hereditary Cancer Syndrome; Hereditary neoplastic syndrome; Tumor predisposition. Identifiers: Orphanet 140162, MedGen C0027672, MeSH D009386, MONDO:0015356.
Familial thoracic aortic aneurysm and aortic dissection (TAAD). Also called: Thoracic aortic aneurysms and dissections. Identifiers: Orphanet 91387, MedGen C4707243, MONDO:0019625.
Juvenile polyposis/hereditary hemorrhagic telangiectasia syndrome (JPHT). Also called: POLYPOSIS, GENERALIZED JUVENILE, WITH PULMONARY ARTERIOVENOUS MALFORMATION; TELANGIECTASIA, HEREDITARY HEMORRHAGIC, WITH JUVENILE POLYPOSIS COLI; Juvenile Polyposis Syndrome / Hereditary Hemorrhagic Telangiectasia (JPS/HHT); JP/HHT SYNDROME; JUVENILE POLYPOSIS WITH HEREDITARY HEMORRHAGIC TELANGIECTASIA. Identifiers: Orphanet 2929, MedGen C1832942, MONDO:0008278, OMIM 175050.

Allele frequency attached by ClinVar (database versions not stated): TOPMed 0.00002.
gnomAD v4.1: 1 of 1,612,692 alleles (0.000062%); highest among the groups gnomAD compares: Non-Finnish European, 0.000085%; no homozygotes.

Submissions (6):

Women's Health and Genetics/Laboratory Corporation of America, LabCorp
Classification: Likely benign. Last evaluated: 2026-05-09. Review status: criteria provided, single submitter. Criteria: LabCorp Variant Classification Summary - May 2015. Collection method: clinical testing. Allele origin: germline.

Labcorp Genetics (formerly Invitae), Labcorp
Classification: Likely benign for Juvenile polyposis syndrome. Last evaluated: 2025-12-22. Review status: criteria provided, single submitter. Criteria: Invitae Variant Classification Sherloc (09022015). Collection method: clinical testing. Allele origin: germline.

Myriad Genetics, Inc.
Classification: Benign for Juvenile polyposis/hereditary hemorrhagic telangiectasia syndrome. Last evaluated: 2025-03-21. Review status: criteria provided, single submitter. Criteria: Myriad Autosomal Dominant, Autosomal Recessive and X-Linked Classification Criteria (2023). Collection method: clinical testing. Allele origin: unknown.
Comment: This variant is considered benign. This variant is a silent/synonymous amino acid change and it is not expected to impact splicing.

All of Us Research Program, National Institutes of Health
Classification: Likely benign for Juvenile polyposis/hereditary hemorrhagic telangiectasia syndrome. Last evaluated: 2023-11-30. Review status: criteria provided, single submitter. Criteria: ACMG Guidelines, 2015. Collection method: clinical testing. Allele origin: germline. Inheritance: Autosomal dominant inheritance. Observed: 3 variant alleles, 3 heterozygotes.
Comment: This study involves interpretation of variants in research participants for the purpose of population health screening. Participant phenotype was not available at the time of variant classification. Additional details can be found in publication PMID: 35346344, PMCID: PMC8962531

Ambry Genetics
Classification: Likely benign for Hereditary cancer-predisposing syndrome; Familial thoracic aortic aneurysm and aortic dissection. Last evaluated: 2019-03-17. Review status: criteria provided, single submitter. Criteria: Ambry Variant Classification Scheme 2023. Collection method: clinical testing. Allele origin: germline.

Color Diagnostics, LLC DBA Color Health
Classification: Likely benign for Hereditary cancer-predisposing syndrome. Last evaluated: 2018-07-12. Review status: criteria provided, single submitter. Criteria: ACMG Guidelines, 2015. Collection method: clinical testing. Allele origin: germline.

NM_005359.6(SMAD4):c.1206T>A (p.Leu402=)

Gene: SMAD4 (SMAD family member 4; plus strand). Cytogenetic location: 18q21.2.
Variant type: single nucleotide variant.
Coding change: c.1206T>A on transcript NM_005359.6 (MANE Select); coding-DNA position 1206, T replaced by A.
Protein change: p.Leu402=; no amino-acid change (leucine 402 retained).
Molecular consequence: synonymous variant.
Genome position (GRCh38, 1-based): chr18:51,067,085, T>A. VCF-style: chr18-51067085-T-A. GRCh37 (hg19) VCF-style: chr18-48593455-T-A.
Identifiers: ClinVar variation 413430 (VCV000413430.21), dbSNP rs758696549, ClinGen allele CA8966021.